The following is an entry in ClinVar:

NM_020686.6(ABAT):c.731C>T (p.Pro244Leu)

Gene: ABAT (4-aminobutyrate aminotransferase; plus strand). Cytogenetic location: 16p13.2.
Variant type: single nucleotide variant.
Coding change: c.731C>T on transcript NM_020686.6 (MANE Select); coding-DNA position 731, C replaced by T.
Protein change: p.Pro244Leu; replaces proline 244 with leucine.
Molecular consequence: missense variant.
Genome position (GRCh38, 1-based): chr16:8,768,888, C>T. VCF-style: chr16-8768888-C-T. GRCh37 (hg19) VCF-style: chr16-8862745-C-T.
Other names: c.731C>T, p.Pro244Leu (NM_000663.5, NM_001127448.2, NM_001386600.1 and 7 more transcripts); c.668C>T, p.Pro223Leu (NM_001386606.1, NM_001386607.1); c.638C>T, p.Pro213Leu (NM_001386608.1); c.596C>T, p.Pro199Leu (NM_001386610.1, NM_001386611.1); c.533C>T, p.Pro178Leu (NM_001386612.1, NM_001386613.1); c.485C>T, p.Pro162Leu (NM_001386614.1); c.827C>T, p.Pro276Leu (NM_001386615.1); short protein forms P162L, P223L, P199L, P244L, P178L, P213L, P276L.
Identifiers: ClinVar variation 2127472 (VCV002127472.4), dbSNP rs2549088876, ClinGen allele CA394689000.

ClinVar aggregate classification (germline): Uncertain significance (1 of 4 stars; one submission).

Conditions:
Gamma-aminobutyric acid transaminase deficiency (GABATD). Also called: Gamma aminobutyrate transaminase deficiency; 4 alpha aminobutyrate transaminase deficiency; GABA transaminase deficiency; GABA aminotransaminase deficiency. Identifiers: Orphanet 2066, MedGen C0342708, MONDO:0013166, OMIM 613163.

Submission:

Labcorp Genetics (formerly Invitae), Labcorp
Classification: Uncertain significance for Gamma-aminobutyric acid transaminase deficiency. Last evaluated: 2022-08-16. Review status: criteria provided, single submitter. Criteria: Invitae Variant Classification Sherloc (09022015). Collection method: clinical testing. Allele origin: germline.
Comment: This sequence change replaces proline, which is neutral and non-polar, with leucine, which is neutral and non-polar, at codon 244 of the ABAT protein (p.Pro244Leu). This variant is not present in population databases (gnomAD no frequency). This variant has not been reported in the literature in individuals affected with ABAT-related conditions. Algorithms developed to predict the effect of missense changes on protein structure and function (SIFT, PolyPhen-2, Align-GVGD) all suggest that this variant is likely to be disruptive. In summary, the available evidence is currently insufficient to determine the role of this variant in disease. Therefore, it has been classified as a Variant of Uncertain Significance.